The following is an entry in ClinVar:

NM_024675.4(PALB2):c.3041T>C (p.Leu1014Pro)

Gene: PALB2 (partner and localizer of BRCA2; minus strand). Cytogenetic location: 16p12.2.
Variant type: single nucleotide variant.
Coding change: c.3041T>C on transcript NM_024675.4 (MANE Select); coding-DNA position 3041, T replaced by C.
Protein change: p.Leu1014Pro; replaces leucine 1014 with proline.
Molecular consequence: missense variant.
Genome position (GRCh38, 1-based): chr16:23,621,434, A>G on the plus strand (T>C on the coding strand, the complement: PALB2 is on the minus strand). VCF-style: chr16-23621434-A-G. GRCh37 (hg19) VCF-style: chr16-23632755-A-G.
Other names: short protein forms L1014P.
Identifiers: ClinVar variation 232100 (VCV000232100.11), dbSNP rs876659554, ClinGen allele CA10579935.

ClinVar aggregate classification (germline): Uncertain significance. Review status: criteria provided, multiple submitters, no conflicts (2 of 4 stars). 4 submissions from 4 submitters: Uncertain significance (4). Last evaluated 2025-08-15.

Conditions:
Familial cancer of breast. Also called: BREAST CANCER, FAMILIAL; hereditary breast carcinoma; Hereditary breast cancer. Identifiers: Orphanet 227535, MedGen C0346153, MONDO:0016419, OMIM 114480. Disease mechanism: loss of function.
Hereditary cancer-predisposing syndrome. Also called: Neoplastic Syndromes, Hereditary; Tumor predisposition; Hereditary Cancer Syndrome; Hereditary neoplastic syndrome. Identifiers: Orphanet 140162, MedGen C0027672, MeSH D009386, MONDO:0015356.

Submissions (4):

Ambry Genetics
Classification: Uncertain significance for Hereditary cancer-predisposing syndrome. Last evaluated: 2025-08-15. Review status: criteria provided, single submitter. Criteria: Ambry Variant Classification Scheme 2023. Collection method: clinical testing. Allele origin: germline.
Comment: The p.L1014P variant (also known as c.3041T>C), located in coding exon 10 of the PALB2 gene, results from a T to C substitution at nucleotide position 3041. The leucine at codon 1014 is replaced by proline, an amino acid with similar properties. This amino acid position is well conserved in available vertebrate species. In addition, the in silico prediction for this alteration is inconclusive. Since supporting evidence is limited at this time, the clinical significance of this alteration remains unclear.

Color Diagnostics, LLC DBA Color Health
Classification: Uncertain significance for Hereditary cancer-predisposing syndrome. Last evaluated: 2025-03-17. Review status: criteria provided, single submitter. Criteria: ACMG Guidelines, 2015. Collection method: clinical testing. Allele origin: germline.
Comment: This missense variant replaces leucine with proline at codon 1014 of the PALB2 protein. Computational prediction suggests that this variant may not impact protein structure and function (internally defined REVEL score threshold <= 0.5, PMID: 27666373). To our knowledge, functional studies have not been reported for this variant. This variant has not been reported in individuals affected with PALB2-related disorders in the literature. This variant has not been identified in the general population by the Genome Aggregation Database (gnomAD). The available evidence is insufficient to determine the role of this variant in disease conclusively. Therefore, this variant is classified as a Variant of Uncertain Significance.

Labcorp Genetics (formerly Invitae), Labcorp
Classification: Uncertain significance for Familial cancer of breast. Last evaluated: 2025-03-12. Review status: criteria provided, single submitter. Criteria: Invitae Variant Classification Sherloc (09022015). Collection method: clinical testing. Allele origin: germline.
Comment: This sequence change replaces leucine, which is neutral and non-polar, with proline, which is neutral and non-polar, at codon 1014 of the PALB2 protein (p.Leu1014Pro). This variant is not present in population databases (gnomAD no frequency). This variant has not been reported in the literature in individuals affected with PALB2-related conditions. ClinVar contains an entry for this variant (Variation ID: 232100). Invitae Evidence Modeling of protein sequence and biophysical properties (such as structural, functional, and spatial information, amino acid conservation, physicochemical variation, residue mobility, and thermodynamic stability) indicates that this missense variant is expected to disrupt PALB2 protein function with a positive predictive value of 80%. In summary, the available evidence is currently insufficient to determine the role of this variant in disease. Therefore, it has been classified as a Variant of Uncertain Significance.

Women's Health and Genetics/Laboratory Corporation of America, LabCorp
Classification: Uncertain significance. Last evaluated: 2021-04-25. Review status: criteria provided, single submitter. Criteria: LabCorp Variant Classification Summary - May 2015. Collection method: clinical testing. Allele origin: germline.
Comment: Variant summary: PALB2 c.3041T>C (p.Leu1014Pro) results in a non-conservative amino acid change located in the WD40 domain (IPR031920) of the encoded protein sequence. Three of five in-silico tools predict a damaging effect of the variant on protein function. The variant was absent in 251458 control chromosomes. The available data on variant occurrences in the general population are insufficient to allow any conclusion about variant significance. To our knowledge, no occurrence of c.3041T>C in individuals affected with Hereditary Breast And Ovarian Cancer Syndrome and no experimental evidence demonstrating its impact on protein function have been reported. One clinical diagnostic laboratory has submitted clinical-significance assessments for this variant to ClinVar after 2014 without evidence for independent evaluation and classified the variant as uncertain significance. Based on the evidence outlined above, the variant was classified as uncertain significance.